The following is an entry in ClinVar:

NM_016363.5(GP6):c.15G>A (p.Pro5=)

Gene: GP6 (glycoprotein VI platelet; minus strand). Cytogenetic location: 19q13.42.
Variant type: single nucleotide variant.
Coding change: c.15G>A on transcript NM_016363.5 (MANE Select); coding-DNA position 15, G replaced by A.
Protein change: p.Pro5=; no amino-acid change (proline 5 retained).
Molecular consequence: synonymous variant.
Genome position (GRCh38, 1-based): chr19:55,038,222, C>T on the plus strand (G>A on the coding strand, the complement: GP6 is on the minus strand). VCF-style: chr19-55038222-C-T. GRCh37 (hg19) VCF-style: chr19-55549590-C-T.
Other names: p.Pro5=; c.15G>A, p.Pro5= (NM_001083899.2, NM_001256017.2).
Identifiers: ClinVar variation 718467 (VCV000718467.11), dbSNP rs28385642, ClinGen allele CA310140342.
Genomic context (GRCh38, chr19:55,038,222, plus strand): 5'-CTGTCCTTCAGCATTTCCCAGATCTGACCCTCAGGACTCACCAAGACAGAAGAGGGCGGT[C>T]GGGGATGGAGACATGGTTCCTCAGCCCTGTCCTGAGCTCTGTGGCCAGGGAGGGAAGTGG-3'
Protein context (NP_057447.5, residues 1-15): MSPS[Pro5=]TALFCLGLCL

ClinVar aggregate classification (germline): Benign/Likely benign. Review status: criteria provided, multiple submitters, no conflicts (2 of 4 stars). 3 submissions from 3 submitters: Benign (1); Likely benign (2). Last evaluated 2026-02-01.

Allele frequency attached by ClinVar (database versions not stated): 1000 Genomes Project 0.00100; 1000 Genomes Project 30x 0.00109; gnomAD 0.00194 and 0.00199; TOPMed 0.00209; ESP Exome Variant Server 0.00272; ExAC 0.00279.
gnomAD v4.1: 5,124 of 1,591,666 alleles (0.32%); highest among the groups gnomAD compares: Non-Finnish European, 0.4%; 18 homozygotes.

Submissions (3):

Labcorp Genetics (formerly Invitae), Labcorp
Classification: Benign. Last evaluated: 2026-02-01. Review status: criteria provided, single submitter. Criteria: Invitae Variant Classification Sherloc (09022015). Collection method: clinical testing. Allele origin: germline.

Women's Health and Genetics/Laboratory Corporation of America, LabCorp
Classification: Likely benign. Last evaluated: 2025-03-04. Review status: criteria provided, single submitter. Criteria: LabCorp Variant Classification Summary - May 2015. Collection method: clinical testing. Allele origin: germline.

Mayo Clinic Laboratories, Mayo Clinic
Classification: Likely benign. Last evaluated: 2023-12-26. Review status: criteria provided, single submitter. Criteria: ACMG Guidelines, 2015. Collection method: clinical testing. Allele origin: germline. Observed: 4 variant alleles.
Comment: BS1_moderate, BP4, BP7